The following is an entry in ClinVar:

ClinVar aggregate classification (germline): Uncertain significance. Review status: criteria provided, multiple submitters, no conflicts (2 of 4 stars). 4 submissions from 4 submitters: Uncertain significance (4). Last evaluated 2026-02-25.

Conditions:
Inborn genetic diseases. Identifiers: MedGen C0950123, MeSH D030342.

Allele frequency attached by ClinVar (database versions not stated): ExAC 0.00001; TOPMed 0.00001.
gnomAD v4.1: 3 of 1,612,854 alleles (0.00019%); highest among the groups gnomAD compares: South Asian, 0.0011%; no homozygotes.

Submissions (4):

Ambry Genetics
Classification: Uncertain significance for Inborn genetic diseases. Last evaluated: 2026-02-25. Review status: criteria provided, single submitter. Criteria: Ambry Variant Classification Scheme 2023. Collection method: clinical testing. Allele origin: germline.

GeneDx
Classification: Uncertain significance. Last evaluated: 2023-01-17. Review status: criteria provided, single submitter. Criteria: GeneDx Variant Classification Process June 2021. Collection method: clinical testing. Allele origin: germline. Affected: yes.
Comment: Observed in patients with neurodevelopmental disorders in published literature; however, no further clinical information was provided (Stessman et al., 2017; Wang et al., 2020); In silico analysis supports that this missense variant has a deleterious effect on protein structure/function; Not observed at significant frequency in large population cohorts (gnomAD); This variant is associated with the following publications: (PMID: 33004838, 28191889)

Labcorp Genetics (formerly Invitae), Labcorp
Classification: Uncertain significance. Last evaluated: 2021-05-08. Review status: criteria provided, single submitter. Criteria: Invitae Variant Classification Sherloc (09022015). Collection method: clinical testing. Allele origin: germline.
Comment: Algorithms developed to predict the effect of missense changes on protein structure and function are either unavailable or do not agree on the potential impact of this missense change (SIFT: "Deleterious"; PolyPhen-2: "Probably Damaging"; Align-GVGD: "Class C0"). In summary, the available evidence is currently insufficient to determine the role of this variant in disease. Therefore, it has been classified as a Variant of Uncertain Significance. This variant has not been reported in the literature in individuals with CTNNB1-related conditions. ClinVar contains an entry for this variant (Variation ID: 809472). This sequence change replaces arginine with histidine at codon 486 of the CTNNB1 protein (p.Arg486His). The arginine residue is highly conserved and there is a small physicochemical difference between arginine and histidine. This variant is present in population databases (rs750554859, ExAC 0.02%).

CeGaT Center for Human Genetics Tuebingen
Classification: Uncertain significance. Last evaluated: 2019-06-01. Review status: criteria provided, single submitter. Criteria: CeGaT Center For Human Genetics Tuebingen Variant Classification Criteria Version 2. Collection method: clinical testing. Allele origin: germline. Affected: yes. Observed: 3 variant alleles.

Literature cited by the submitters: PubMed 28191889 (cited by Ambry Genetics); PubMed 33004838 (cited by Ambry Genetics).

NM_001904.4(CTNNB1):c.1457G>A (p.Arg486His)

Genes: CTNNB1 (catenin beta 1; plus strand), LOC126806659 (BRD4-independent group 4 enhancer GRCh37_chr3:41274918-41276117; plus strand). Cytogenetic location: 3p22.1.
Variant type: single nucleotide variant.
Coding change: c.1457G>A on transcript NM_001904.4 (MANE Select); coding-DNA position 1457, G replaced by A.
Protein change: p.Arg486His; replaces arginine 486 with histidine.
Molecular consequence: missense variant.
Genome position (GRCh38, 1-based): chr3:41,233,800, G>A. VCF-style: chr3-41233800-G-A. GRCh37 (hg19) VCF-style: chr3-41275291-G-A.
Other names: c.1457G>A, p.Arg486His (NM_001098209.2, NM_001098210.2); c.1436G>A, p.Arg479His (NM_001330729.2); c.1457G>A (NM_001904.3); short protein forms R486H, R479H.
Identifiers: ClinVar variation 809472 (VCV000809472.50), dbSNP rs750554859, ClinGen allele CA2331077.